The following is an entry in ClinVar:

ClinVar aggregate classification (germline): Uncertain significance. Review status: criteria provided, multiple submitters, no conflicts (2 of 4 stars). 2 submissions from 2 submitters: Uncertain significance (2). Last evaluated 2025-03-23.

Allele frequency attached by ClinVar (database versions not stated): gnomAD exomes 0.00001; TOPMed 0.00002; gnomAD 0.00004.
gnomAD v4.1: 21 of 1,613,882 alleles (0.0013%); highest among the groups gnomAD compares: South Asian, 0.0033%; no homozygotes.

Submissions (2):

GeneDx
Classification: Uncertain significance. Last evaluated: 2025-03-23. Review status: criteria provided, single submitter. Criteria: GeneDx Variant Classification Process June 2021. Collection method: clinical testing. Allele origin: germline. Affected: yes.
Comment: Not observed at significant frequency in large population cohorts (gnomAD); In silico analysis supports that this missense variant has a deleterious effect on protein structure/function; Has not been previously published as pathogenic or benign to our knowledge

Labcorp Genetics (formerly Invitae), Labcorp
Classification: Uncertain significance. Last evaluated: 2022-09-13. Review status: criteria provided, single submitter. Criteria: Invitae Variant Classification Sherloc (09022015). Collection method: clinical testing. Allele origin: germline.
Comment: In summary, the available evidence is currently insufficient to determine the role of this variant in disease. Therefore, it has been classified as a Variant of Uncertain Significance. Advanced modeling of protein sequence and biophysical properties (such as structural, functional, and spatial information, amino acid conservation, physicochemical variation, residue mobility, and thermodynamic stability) performed at Invitae indicates that this missense variant is not expected to disrupt DNAH9 protein function. This variant has not been reported in the literature in individuals affected with DNAH9-related conditions. This variant is present in population databases (no rsID available, gnomAD 0.007%). This sequence change replaces threonine, which is neutral and polar, with isoleucine, which is neutral and non-polar, at codon 2324 of the DNAH9 protein (p.Thr2324Ile).

NM_001372.4(DNAH9):c.6971C>T (p.Thr2324Ile)

Gene: DNAH9 (dynein axonemal heavy chain 9; plus strand). Cytogenetic location: 17p12.
Variant type: single nucleotide variant.
Coding change: c.6971C>T on transcript NM_001372.4 (MANE Select); coding-DNA position 6971, C replaced by T.
Protein change: p.Thr2324Ile; replaces threonine 2324 with isoleucine.
Molecular consequence: missense variant.
Genome position (GRCh38, 1-based): chr17:11,757,668, C>T. VCF-style: chr17-11757668-C-T. GRCh37 (hg19) VCF-style: chr17-11660985-C-T.
Other names: c.6971C>T (NM_001372.3); short protein forms T2324I.
Identifiers: ClinVar variation 2171206 (VCV002171206.5), dbSNP rs987497720, ClinGen allele CA287969090.